The following is an entry in ClinVar:

NM_001145358.2(SIN3A):c.269C>T (p.Ala90Val)

Gene: SIN3A (SIN3 transcription regulator family member A; minus strand). Cytogenetic location: 15q24.2.
Variant type: single nucleotide variant.
Coding change: c.269C>T on transcript NM_001145358.2 (MANE Select); coding-DNA position 269, C replaced by T.
Protein change: p.Ala90Val; replaces alanine 90 with valine.
Molecular consequence: missense variant.
Genome position (GRCh38, 1-based): chr15:75,422,744, G>A on the plus strand (C>T on the coding strand, the complement: SIN3A is on the minus strand). VCF-style: chr15-75422744-G-A. GRCh37 (hg19) VCF-style: chr15-75715085-G-A.
Other names: c.269C>T, p.Ala90Val (NM_001145357.2, NM_015477.3); short protein forms A90V.
Identifiers: ClinVar variation 2193177 (VCV002193177.4), dbSNP rs915243182, ClinGen allele CA272895600.
Genomic context (GRCh38, chr15:75,422,744, plus strand): 5'-GCAACTGGTGGGGCTGGATGAGCATGACTCTGGACCACCTGGCCTCCGTGGGGCTGCACC[G>A]CTGTTGGGTGATGATGGCTGCTATGAACTGCTGCTATAGCGGGCCCATGACTGCCGGAGC-3'
Protein context (NP_001138830.1, residues 80-100): AVHSSHHHPT[Ala90Val]VQPHGGQVVQ

ClinVar aggregate classification (germline): Uncertain significance (1 of 4 stars; one submission).

Allele frequency attached by ClinVar (database versions not stated): gnomAD exomes 0.00002; gnomAD 0.00003; TOPMed 0.00005.
gnomAD v4.1: 31 of 1,614,076 alleles (0.0019%); highest among the groups gnomAD compares: African/African-American, 0.004%; no homozygotes.

Submission:

Labcorp Genetics (formerly Invitae), Labcorp
Classification: Uncertain significance. Last evaluated: 2024-10-08. Review status: criteria provided, single submitter. Criteria: Invitae Variant Classification Sherloc (09022015). Collection method: clinical testing. Allele origin: germline.
Comment: This sequence change replaces alanine, which is neutral and non-polar, with valine, which is neutral and non-polar, at codon 90 of the SIN3A protein (p.Ala90Val). This variant is present in population databases (no rsID available, gnomAD 0.0009%). This variant has not been reported in the literature in individuals affected with SIN3A-related conditions. ClinVar contains an entry for this variant (Variation ID: 2193177). An algorithm developed to predict the effect of missense changes on protein structure and function (PolyPhen-2) suggests that this variant is likely to be tolerated. In summary, the available evidence is currently insufficient to determine the role of this variant in disease. Therefore, it has been classified as a Variant of Uncertain Significance.